The following is an entry in ClinVar:

ClinVar aggregate classification (germline): Pathogenic. Review status: criteria provided, multiple submitters, no conflicts (2 of 4 stars). 2 submissions from 2 submitters: Pathogenic (2). Last evaluated 2026-03-18.

Conditions:
FZD4-related disorder. Also called: FZD4-related condition.

Submissions (2):

PreventionGenetics, part of Exact Sciences
Classification: Pathogenic for FZD4-related condition. Last evaluated: 2026-03-18. Review status: criteria provided, single submitter. Criteria: ACMG Guidelines, 2015. Collection method: clinical testing. Allele origin: germline.
Comment: The FZD4 c.1286_1290del5 variant is predicted to result in a frameshift and premature protein termination (p.Lys429Argfs*28). This variant has been reported to segregate with disease in multiple families with familial exudative vitreoretinopathy (Muller et al. 2008. PubMed ID: 17899116; Musada et al. 2016. PubMed ID: 27316669). This variant is absent in a large population database (gnomAD), indicating this variant is rare. Frameshift variants in FZD4 are an established mechanism of disease. This variant is interpreted as pathogenic.

Labcorp Genetics (formerly Invitae), Labcorp
Classification: Pathogenic. Last evaluated: 2023-01-28. Review status: criteria provided, single submitter. Criteria: Invitae Variant Classification Sherloc (09022015). Collection method: clinical testing. Allele origin: germline.
Comment: For these reasons, this variant has been classified as Pathogenic. This variant disrupts a region of the FZD4 protein in which other variant(s) (p.Gln505*) have been determined to be pathogenic (PMID: 15223780). This suggests that this is a clinically significant region of the protein, and that variants that disrupt it are likely to be disease-causing. This premature translational stop signal has been observed in individual(s) with exudative vitreoretinopathy (PMID: 17899116, 27316669). This variant is not present in population databases (gnomAD no frequency). This sequence change creates a premature translational stop signal (p.Lys429Argfs*28) in the FZD4 gene. While this is not anticipated to result in nonsense mediated decay, it is expected to disrupt the last 109 amino acid(s) of the FZD4 protein.

Literature cited by the submitters: PubMed 15223780 (cited by Labcorp Genetics (formerly Invitae), Labcorp); PubMed 17899116 (cited by Labcorp Genetics (formerly Invitae), Labcorp); PubMed 27316669 (cited by Labcorp Genetics (formerly Invitae), Labcorp).

NM_012193.4(FZD4):c.1286_1290del (p.Lys429fs)

Genes: FZD4 (frizzled class receptor 4; minus strand), PRSS23 (serine protease 23; plus strand). Cytogenetic location: 11q14.2.
Variant type: Deletion.
Coding change: c.1286_1290del on transcript NM_012193.4 (MANE Select); coding-DNA positions 1286 to 1290, 5 bases deleted (AGTTA; older notation c.1286_1290delAGTTA).
Protein change: p.Lys429fs; shifts the reading frame from lysine 429.
Molecular consequence: frameshift variant. On other transcripts: non-coding transcript variant (2).
Genome position (GRCh38, 1-based): chr11:86,951,466-86,951,470, TAACT deleted on the plus strand (AGTTA on the coding strand, the reverse complement: FZD4 is on the minus strand); deleting any 5 consecutive bases within chr11:86,951,466-86,951,471 gives the same sequence; the c. name uses the placement nearest the transcript's 3' end. VCF-style (leftmost placement, unchanged base first): chr11-86951465-CTAACT-C. GRCh37 (hg19) VCF-style: chr11-86662507-CTAACT-C.
Other names: c.1286_1290del5 (NM_012193.3); short protein forms K429fs.
Identifiers: ClinVar variation 2735715 (VCV002735715.4), dbSNP rs80358296, ClinGen allele CA225380647.